The following is an entry in ClinVar:

ClinVar aggregate classification (germline): Uncertain significance (1 of 4 stars; one submission).

Submission:

GeneDx
Classification: Uncertain significance. Last evaluated: 2023-02-09. Review status: criteria provided, single submitter. Criteria: GeneDx Variant Classification Process June 2021. Collection method: clinical testing. Allele origin: germline. Affected: yes.
Comment: Not observed at significant frequency in large population cohorts (gnomAD); In silico analysis supports that this missense variant does not alter protein structure/function; Has not been previously published as pathogenic or benign to our knowledge

NM_005120.3(MED12):c.5068C>A (p.Leu1690Ile)

Gene: MED12 (mediator complex subunit 12; plus strand). Cytogenetic location: Xq13.1.
Variant type: single nucleotide variant.
Coding change: c.5068C>A on transcript NM_005120.3 (MANE Select); coding-DNA position 5068, C replaced by A.
Protein change: p.Leu1690Ile; replaces leucine 1690 with isoleucine.
Molecular consequence: missense variant.
Genome position (GRCh38, 1-based): chrX:71,136,323, C>A. VCF-style: chrX-71136323-C-A. GRCh37 (hg19) VCF-style: chrX-70356173-C-A.
Other names: short protein forms L1690I.
Identifiers: ClinVar variation 2575827 (VCV002575827.1), dbSNP rs2519710866, ClinGen allele CA413533646.